The following is an entry in ClinVar:

ClinVar aggregate classification (germline): Uncertain significance. Review status: criteria provided, multiple submitters, no conflicts (2 of 4 stars). 3 submissions from 3 submitters: Uncertain significance (3). Last evaluated 2023-07-25.

Conditions:
Predisposition to invasive fungal disease due to CARD9 deficiency (IMD103). Also called: CARD9 IMMUNODEFICIENCY; Candidiasis, familial, 2, autosomal recessive; IMMUNODEFICIENCY 103, SUSCEPTIBILITY TO FUNGAL INFECTIONS. Identifiers: Orphanet 457088, MedGen C1859353, MONDO:0008905, OMIM 212050.
Inborn genetic diseases. Identifiers: MedGen C0950123, MeSH D030342.

Allele frequency attached by ClinVar (database versions not stated): TOPMed 0.00005; gnomAD 0.00007; gnomAD exomes 0.00007 and 0.00008; ExAC 0.00009; ESP Exome Variant Server 0.00023.
gnomAD v4.1: 106 of 1,608,584 alleles (0.0066%); highest among the groups gnomAD compares: South Asian, 0.015%; 1 homozygote.

Submissions (3):

Ambry Genetics
Classification: Uncertain significance for Inborn genetic diseases. Last evaluated: 2023-07-25. Review status: criteria provided, single submitter. Criteria: Ambry Variant Classification Scheme 2023. Collection method: clinical testing. Allele origin: germline.

Labcorp Genetics (formerly Invitae), Labcorp
Classification: Uncertain significance for Predisposition to invasive fungal disease due to CARD9 deficiency. Last evaluated: 2022-08-09. Review status: criteria provided, single submitter. Criteria: Invitae Variant Classification Sherloc (09022015). Collection method: clinical testing. Allele origin: germline.
Comment: This sequence change replaces arginine, which is basic and polar, with histidine, which is basic and polar, at codon 305 of the CARD9 protein (p.Arg305His). This variant is present in population databases (rs150234370, gnomAD 0.01%). This variant has not been reported in the literature in individuals affected with CARD9-related conditions. ClinVar contains an entry for this variant (Variation ID: 365842). Algorithms developed to predict the effect of missense changes on protein structure and function are either unavailable or do not agree on the potential impact of this missense change (SIFT: "Deleterious"; PolyPhen-2: "Probably Damaging"; Align-GVGD: "Class C0"). In summary, the available evidence is currently insufficient to determine the role of this variant in disease. Therefore, it has been classified as a Variant of Uncertain Significance.

Illumina Laboratory Services, Illumina
Classification: Uncertain significance for Predisposition to invasive fungal disease due to CARD9 deficiency. Last evaluated: 2018-01-12. Review status: criteria provided, single submitter. Criteria: ICSL Variant Classification Criteria 13 December 2019. Collection method: clinical testing. Allele origin: germline.

NM_052813.5(CARD9):c.914G>A (p.Arg305His)

Gene: CARD9 (caspase recruitment domain family member 9; minus strand). Cytogenetic location: 9q34.3.
Variant type: single nucleotide variant.
Coding change: c.914G>A on transcript NM_052813.5 (MANE Select); coding-DNA position 914, G replaced by A.
Protein change: p.Arg305His; replaces arginine 305 with histidine.
Molecular consequence: missense variant.
Genome position (GRCh38, 1-based): chr9:136,370,331, C>T on the plus strand (G>A on the coding strand, the complement: CARD9 is on the minus strand). VCF-style: chr9-136370331-C-T. GRCh37 (hg19) VCF-style: chr9-139264783-C-T.
Other names: c.914G>A, p.Arg305His (NM_052814.4); short protein forms R305H.
Identifiers: ClinVar variation 365842 (VCV000365842.11), dbSNP rs150234370, ClinGen allele CA5332936.
Genomic context (GRCh38, chr9:136,370,331, plus strand): 5'-TGTCTCCCCGCCTGCCCTCCTACCCGGAGGCGTCGGGCCTCGCCCTGGCGGAGGTCCTTG[C>T]GCAGGGAGAAGATGGTGTTGGCCTGCTCCTGGTGGTCCCGCAGCGCCTGCCGCCAGTCCT-3'
Protein context (NP_434700.2, residues 295-315): QEQANTIFSL[Arg305His]KDLRQGEARR